The following is an entry in ClinVar:

ClinVar aggregate classification (germline): Pathogenic (1 of 4 stars; one submission).

Conditions:
Neurofibromatosis, type 1 (NF1). Also called: Neurofibromatosis, type I; Peripheral type neurofibromatosis; VON RECKLINGHAUSEN DISEASE; NEUROFIBROMATOSIS, TYPE I, SOMATIC. Identifiers: Orphanet 636, MedGen C0027831, MONDO:0018975, OMIM 162200. Disease mechanism: loss of function.

gnomAD v4.1: 1 of 1,614,138 alleles (0.000062%); highest among the groups gnomAD compares: East Asian, 0.0022%; no homozygotes.

Submission:

Labcorp Genetics (formerly Invitae), Labcorp
Classification: Pathogenic for Neurofibromatosis, type 1. Last evaluated: 2026-02-01. Review status: criteria provided, single submitter. Criteria: Invitae Variant Classification Sherloc (09022015). Collection method: clinical testing. Allele origin: germline.
Comment: This sequence change replaces asparagine, which is neutral and polar, with threonine, which is neutral and polar, at codon 1154 of the NF1 protein (p.Asn1154Thr). This variant is not present in population databases (gnomAD no frequency). This missense change has been observed in individual(s) with neurofibromatosis type 1 (PMID: 25074460, 31776437). ClinVar contains an entry for this variant (Variation ID: 2736540). Invitae Evidence Modeling of protein sequence and biophysical properties (such as structural, functional, and spatial information, amino acid conservation, physicochemical variation, residue mobility, and thermodynamic stability) indicates that this missense variant is expected to disrupt NF1 protein function with a positive predictive value of 95%. This variant disrupts the p.Asn1154 amino acid residue in NF1. Other variant(s) that disrupt this residue have been determined to be pathogenic (PMID: 23656349; internal data). This suggests that this residue is clinically significant, and that variants that disrupt this residue are likely to be disease-causing. For these reasons, this variant has been classified as Pathogenic.

Literature cited by the submitters: PubMed 25074460; PubMed 31776437; PubMed 23656349.

NM_001042492.3(NF1):c.3461A>C (p.Asn1154Thr)

Gene: NF1 (neurofibromin 1; plus strand). Cytogenetic location: 17q11.2.
Variant type: single nucleotide variant.
Coding change: c.3461A>C on transcript NM_001042492.3 (MANE Select); coding-DNA position 3461, A replaced by C.
Protein change: p.Asn1154Thr; replaces asparagine 1154 with threonine.
Molecular consequence: missense variant.
Genome position (GRCh38, 1-based): chr17:31,232,846, A>C. VCF-style: chr17-31232846-A-C. GRCh37 (hg19) VCF-style: chr17-29559864-A-C.
Other names: c.3461A>C, p.Asn1154Thr (NM_000267.4); short protein forms N1154T.
Identifiers: ClinVar variation 2736540 (VCV002736540.3), dbSNP rs371544233, ClinGen allele CA398989362.